The following is an entry in ClinVar:

ClinVar aggregate classification (germline): Benign. Review status: criteria provided, multiple submitters, no conflicts (2 of 4 stars). 2 submissions from 2 submitters: Benign (2). Last evaluated 2018-11-10.

Allele frequency attached by ClinVar (database versions not stated): ESP Exome Variant Server 0.22997; TOPMed 0.24193; gnomAD 0.24772 and 0.25989; gnomAD exomes 0.28762 and 0.30063; ExAC 0.30522; 1000 Genomes Project 30x 0.33214; 1000 Genomes Project 0.34265.

Submissions (2):

GeneDx
Classification: Benign. Last evaluated: 2018-11-10. Review status: criteria provided, single submitter. Criteria: GeneDx Variant Classification Process June 2021. Collection method: clinical testing. Allele origin: germline. Affected: yes.
Comment: This variant is associated with the following publications: (PMID: 25129060, 24298899, 16223675, 21870962, 21563968, 20380573, 20732370)

Breakthrough Genomics
Classification: Benign. Review status: criteria provided, single submitter. Criteria: ACMG Guidelines, 2015. Collection method: not provided. Allele origin: germline. Inheritance: Unknown mechanism. Affected: yes.

NM_175862.5(CD86):c.928G>A (p.Ala310Thr)

Gene: CD86 (CD86 molecule; plus strand). Cytogenetic location: 3q13.33.
Variant type: single nucleotide variant.
Coding change: c.928G>A on transcript NM_175862.5 (MANE Select); coding-DNA position 928, G replaced by A.
Protein change: p.Ala310Thr; replaces alanine 310 with threonine.
Molecular consequence: missense variant.
Genome position (GRCh38, 1-based): chr3:122,119,472, G>A. VCF-style: chr3-122119472-G-A. GRCh37 (hg19) VCF-style: chr3-121838319-G-A.
Other names: c.592G>A, p.Ala198Thr (NM_001206924.2); c.682G>A, p.Ala228Thr (NM_001206925.2); c.910G>A, p.Ala304Thr (NM_006889.5); c.766G>A, p.Ala256Thr (NM_176892.2); short protein forms A198T, A228T, A256T, A304T, A310T.
Identifiers: ClinVar variation 1227026 (VCV001227026.4), dbSNP rs1129055, ClinGen allele CA2569363.